The following is an entry in ClinVar:

NM_006662.3(SRCAP):c.3151G>T (p.Val1051Phe)

Gene: SRCAP (Snf2 related CREBBP activator protein; plus strand). Cytogenetic location: 16p11.2.
Variant type: single nucleotide variant.
Coding change: c.3151G>T on transcript NM_006662.3 (MANE Select); coding-DNA position 3151, G replaced by T.
Protein change: p.Val1051Phe; replaces valine 1051 with phenylalanine.
Molecular consequence: missense variant.
Genome position (GRCh38, 1-based): chr16:30,720,876, G>T. VCF-style: chr16-30720876-G-T. GRCh37 (hg19) VCF-style: chr16-30732197-G-T.
Other names: short protein forms V1051F.
Identifiers: ClinVar variation 4999450 (VCV004999450.1).
Genomic context (GRCh38, chr16:30,720,876, plus strand): 5'-GAGCTCTCAGCCCAGCCCACCCCTGGCCCAGTCCCCCAAGTGCTGCCAGCATCACTGATG[G>T]TTTCAGCCTCACCTGCCGGGCCCCCGCTTATTCCTGCATCTCGGCCTCCTGGCCCTGTCC-3'
Protein context (NP_006653.2, residues 1041-1061): VPQVLPASLM[Val1051Phe]SASPAGPPLI

ClinVar aggregate classification (germline): Uncertain significance (1 of 4 stars; one submission).

Conditions:
SRCAP-related disorder. Also called: SRCAP-related condition.

Submission:

PreventionGenetics, part of Exact Sciences
Classification: Uncertain significance for SRCAP-related condition. Last evaluated: 2025-03-08. Review status: criteria provided, single submitter. Criteria: ACMG Guidelines, 2015. Collection method: clinical testing. Allele origin: germline.
Comment: The SRCAP c.3151G>T variant is predicted to result in the amino acid substitution p.Val1051Phe. To our knowledge, this variant has not been reported in the literature or in a large population database (gnomAD), indicating this variant is rare. At this time, the clinical significance of this variant is uncertain due to the absence of conclusive functional and genetic evidence.